The following is an entry in ClinVar:

NM_014946.4(SPAST):c.1130G>A (p.Gly377Glu)

Gene: SPAST (spastin; plus strand). Cytogenetic location: 2p22.3.
Variant type: single nucleotide variant.
Coding change: c.1130G>A on transcript NM_014946.4 (MANE Select); coding-DNA position 1130, G replaced by A.
Protein change: p.Gly377Glu; replaces glycine 377 with glutamic acid.
Molecular consequence: missense variant.
Genome position (GRCh38, 1-based): chr2:32,126,979, G>A. VCF-style: chr2-32126979-G-A. GRCh37 (hg19) VCF-style: chr2-32352048-G-A.
Other names: c.1127G>A, p.Gly376Glu (NM_001363823.2); c.1031G>A, p.Gly344Glu (NM_001363875.2); c.1034G>A, p.Gly345Glu (NM_001377959.1, NM_199436.2); short protein forms G344E, G345E, G376E, G377E.
Identifiers: ClinVar variation 3340341 (VCV003340341.2).
Genomic context (GRCh38, chr2:32,126,979, plus strand): 5'-AGTTGTAAACTAAAGTATATATTTTTTAGTTGTTCACAGGGCTTAGAGCTCCTGCCAGAG[G>A]GCTGTTACTCTTTGGTCCACCTGGGAATGGGAAGACAATGCTGGTAAGGGTTCTCTTCAA-3'
Protein context (NP_055761.2, residues 367-387): LFTGLRAPAR[Gly377Glu]LLLFGPPGNG

ClinVar aggregate classification (germline): Pathogenic/Likely pathogenic. Review status: criteria provided, multiple submitters, no conflicts (2 of 4 stars). 2 submissions from 2 submitters: Pathogenic (1); Likely pathogenic (1). Last evaluated 2025-12-08.

Conditions:
Hereditary spastic paraplegia 4. Also called: Spastic paraplegia 4, autosomal dominant; Familial spastic paraplegia autosomal dominant 2; Spastic Paraplegia 4. Identifiers: Orphanet 100985, MedGen C1866855, MONDO:0008438, OMIM 182601.

Submissions (2):

Labcorp Genetics (formerly Invitae), Labcorp
Classification: Pathogenic for Hereditary spastic paraplegia 4. Last evaluated: 2025-12-08. Review status: criteria provided, single submitter. Criteria: Invitae Variant Classification Sherloc (09022015). Collection method: clinical testing. Allele origin: germline.
Comment: This sequence change replaces glycine, which is neutral and non-polar, with glutamic acid, which is acidic and polar, at codon 377 of the SPAST protein (p.Gly377Glu). This variant is not present in population databases (gnomAD no frequency). This missense change has been observed in individual(s) with hereditary spastic paraplegia (PMID: 21546041, 28572275, 36109173; internal data). In at least one individual the variant was observed to be de novo. ClinVar contains an entry for this variant (Variation ID: 3340341). Invitae Evidence Modeling of protein sequence and biophysical properties (such as structural, functional, and spatial information, amino acid conservation, physicochemical variation, residue mobility, and thermodynamic stability) indicates that this missense variant is expected to disrupt SPAST protein function with a positive predictive value of 80%. For these reasons, this variant has been classified as Pathogenic.

GeneDx
Classification: Likely pathogenic. Last evaluated: 2023-09-18. Review status: criteria provided, single submitter. Criteria: GeneDx Variant Classification Process June 2021. Collection method: clinical testing. Allele origin: germline. Affected: yes.
Comment: Identified in patients with HSP in published literature, although segregation data was not provided and clinical details were not always available (PMID: 21546041, 30564185, 33866115, 36815539); In silico analysis supports that this missense variant has a deleterious effect on protein structure/function; Not observed at significant frequency in large population cohorts (gnomAD); This variant is associated with the following publications: (PMID: 25525159, 36815539, 33866115, 30564185, 21546041, 21139634, 26094131)

Literature cited by the submitters: PubMed 21546041 (cited by Labcorp Genetics (formerly Invitae), Labcorp); PubMed 28572275 (cited by Labcorp Genetics (formerly Invitae), Labcorp); PubMed 36109173 (cited by Labcorp Genetics (formerly Invitae), Labcorp).